The following is an entry in ClinVar:

NC_000010.10:g.(?_101551971)_(101554245_?)del

Gene: ABCC2 (ATP binding cassette subfamily C member 2; plus strand). Cytogenetic location: 10q24.2.
Variant type: Deletion.
Identifiers: ClinVar variation 3244943 (VCV003244943.1).

ClinVar aggregate classification (germline): Pathogenic (1 of 4 stars; one submission).

Submission:

Labcorp Genetics (formerly Invitae), Labcorp
Classification: Pathogenic. Last evaluated: 2024-01-04. Review status: criteria provided, single submitter. Criteria: Invitae Variant Classification Sherloc (09022015). Collection method: clinical testing. Allele origin: unknown.
Comment: This variant is a gross deletion of the genomic region encompassing exon(s) 3-6 of the ABCC2 gene. This deletion is out-of-frame, and is expected to create a premature termination codon and result in an absent or disrupted protein product. Loss-of-function variants in ABCC2 are known to be pathogenic (PMID: 9185779, 16549534, 16952291). This variant has not been reported in the literature in individuals affected with ABCC2-related conditions. For these reasons, this variant has been classified as Pathogenic.

Literature cited by the submitters: PubMed 9185779; PubMed 16549534; PubMed 16952291.